The following is an entry in ClinVar:

ClinVar aggregate classification (germline): Uncertain significance (1 of 4 stars; one submission).

Conditions:
Cutis laxa, autosomal dominant 3 (ADCL3). Identifiers: Orphanet 90348, MedGen C4225268, MONDO:0014706, OMIM 616603.
Autosomal dominant spastic paraplegia type 9. Identifiers: MedGen C1832669, MONDO:0015091.
de Barsy syndrome. Also called: Cutis laxa-corneal clouding-oligophrenia syndrome. Identifiers: Orphanet 2962, MedGen C0268354, MONDO:0017569.

Submission:

Labcorp Genetics (formerly Invitae), Labcorp
Classification: Uncertain significance for Autosomal dominant spastic paraplegia type 9; de Barsy syndrome; Cutis laxa, autosomal dominant 3. Last evaluated: 2025-07-29. Review status: criteria provided, single submitter. Criteria: Invitae Variant Classification Sherloc (09022015). Collection method: clinical testing. Allele origin: germline.
Comment: This sequence change replaces glycine, which is neutral and non-polar, with arginine, which is basic and polar, at codon 367 of the ALDH18A1 protein (p.Gly367Arg). This variant is not present in population databases (gnomAD no frequency). This variant has not been reported in the literature in individuals affected with ALDH18A1-related conditions. Invitae Evidence Modeling of protein sequence and biophysical properties (such as structural, functional, and spatial information, amino acid conservation, physicochemical variation, residue mobility, and thermodynamic stability) indicates that this missense variant is not expected to disrupt ALDH18A1 protein function with a negative predictive value of 95%. In summary, the available evidence is currently insufficient to determine the role of this variant in disease. Therefore, it has been classified as a Variant of Uncertain Significance.

NM_002860.4(ALDH18A1):c.1099G>C (p.Gly367Arg)

Gene: ALDH18A1 (aldehyde dehydrogenase 18 family member A1; minus strand). Cytogenetic location: 10q24.1.
Variant type: single nucleotide variant.
Coding change: c.1099G>C on transcript NM_002860.4 (MANE Select); coding-DNA position 1099, G replaced by C.
Protein change: p.Gly367Arg; replaces glycine 367 with arginine.
Molecular consequence: missense variant.
Genome position (GRCh38, 1-based): chr10:95,626,756, C>G on the plus strand (G>C on the coding strand, the complement: ALDH18A1 is on the minus strand). VCF-style: chr10-95626756-C-G. GRCh37 (hg19) VCF-style: chr10-97386513-C-G.
Other names: c.1093G>C, p.Gly365Arg (NM_001017423.2, NM_001323415.2); c.766G>C, p.Gly256Arg (NM_001323412.2, NM_001323416.2); c.1099G>C, p.Gly367Arg (NM_001323413.2, NM_001323414.2); c.994G>C, p.Gly332Arg (NM_001323417.2); c.760G>C, p.Gly254Arg (NM_001323418.2); c.463G>C, p.Gly155Arg (NM_001323419.2); short protein forms G365R, G367R, G155R, G332R, G254R, G256R.
Identifiers: ClinVar variation 4783429 (VCV004783429.1).